The following is an entry in ClinVar:

ClinVar aggregate classification (germline): Uncertain significance (1 of 4 stars; one submission).

Submission:

GeneDx
Classification: Uncertain significance. Last evaluated: 2023-02-03. Review status: criteria provided, single submitter. Criteria: GeneDx Variant Classification Process June 2021. Collection method: clinical testing. Allele origin: germline. Affected: yes.
Comment: Not observed at significant frequency in large population cohorts (gnomAD); In silico analysis supports that this missense variant does not alter protein structure/function; Has not been previously published as pathogenic or benign to our knowledge

NM_001281775.3(ZMYND8):c.2759G>A (p.Gly920Glu)

Gene: ZMYND8 (zinc finger MYND-type containing 8; minus strand). Cytogenetic location: 20q13.12.
Variant type: single nucleotide variant.
Coding change: c.2759G>A on transcript NM_001281775.3 (MANE Select); coding-DNA position 2759, G replaced by A.
Protein change: p.Gly920Glu; replaces glycine 920 with glutamic acid.
Molecular consequence: missense variant.
Genome position (GRCh38, 1-based): chr20:47,236,423, C>T on the plus strand (G>A on the coding strand, the complement: ZMYND8 is on the minus strand). VCF-style: chr20-47236423-C-T. GRCh37 (hg19) VCF-style: chr20-45865167-C-T.
Other names: c.2303G>A, p.Gly768Glu (NM_001281771.3); c.2699G>A, p.Gly900Glu (NM_001281772.3, NM_001281773.3, NM_001363741.2); c.2561G>A, p.Gly854Glu (NM_001281774.3); c.2378G>A, p.Gly793Glu (NM_001281776.3); c.2546G>A, p.Gly849Glu (NM_001281777.3, NM_001281782.3, NM_183048.4); c.2684G>A, p.Gly895Glu (NM_001281778.3); c.1817G>A, p.Gly606Glu (NM_001281779.3, NM_001281780.3); c.2405G>A, p.Gly802Glu (NM_001281781.3); and 4 more; short protein forms G606E, G768E, G793E, G802E, G848E, G849E, G854E, G874E.
Identifiers: ClinVar variation 2574875 (VCV002574875.1), dbSNP rs2516757767, ClinGen allele CA409278322.